The following is an entry in ClinVar:

NM_000092.5(COL4A4):c.4513C>G (p.Gln1505Glu)

Gene: COL4A4 (collagen type IV alpha 4 chain; minus strand). Cytogenetic location: 2q36.3.
Variant type: single nucleotide variant.
Coding change: c.4513C>G on transcript NM_000092.5 (MANE Select); coding-DNA position 4513, C replaced by G.
Protein change: p.Gln1505Glu; replaces glutamine 1505 with glutamic acid.
Molecular consequence: missense variant.
Genome position (GRCh38, 1-based): chr2:227,010,322, G>C on the plus strand (C>G on the coding strand, the complement: COL4A4 is on the minus strand). VCF-style: chr2-227010322-G-C. GRCh37 (hg19) VCF-style: chr2-227875038-G-C.
Other names: short protein forms Q1505E.
Identifiers: ClinVar variation 830008 (VCV000830008.8), dbSNP rs756535060, ClinGen allele CA2144155.

ClinVar aggregate classification (germline): Uncertain significance. Review status: criteria provided, multiple submitters, no conflicts (2 of 4 stars). 4 submissions from 4 submitters: Uncertain significance (3). 1 of the submissions does not count toward it. Last evaluated 2025-12-30.

Conditions:
Hematuria, benign familial, 1 (BFH1). Also called: THIN MEMBRANE NEPHROPATHY. Identifiers: MedGen CN376803, MONDO:0007709, OMIM 141200.
Autosomal recessive Alport syndrome (ATS2). Also called: COL4A3-Related Nephropathy; ALPORT SYNDROME 2, AUTOSOMAL RECESSIVE; Alport syndrome type 2; COL4A4 Alport Syndrome and Thin Basement Membrane Nephropathy. Identifiers: Orphanet 63, Orphanet 88919, MedGen C4746745, MONDO:0008762, OMIM 203780.
Alport syndrome. Also called: Hemorrhagic familial nephritis; Hemorrhagic hereditary nephritis; Congenital hereditary hematuria. Identifiers: Orphanet 63, MedGen C1567741, MONDO:0018965.
Autosomal dominant Alport syndrome (ATS3A). Also called: Alport syndrome dominant type; Renal failure and sensorineural hearing loss; ALPORT SYNDROME 3A, AUTOSOMAL DOMINANT. Identifiers: Orphanet 63, Orphanet 88918, MedGen C5882663, MONDO:0007086, OMIM 104200.

Allele frequency attached by ClinVar (database versions not stated): ExAC 0.00002; gnomAD 0.00003 and 0.00004; gnomAD exomes 0.00003 and 0.00010; TOPMed 0.00003.
gnomAD v4.1: 143 of 1,614,112 alleles (0.0089%); highest among the groups gnomAD compares: Non-Finnish European, 0.012%; no homozygotes.

Submissions (4):

Myriad Genetics, Inc.
Classification: Uncertain significance for Alport syndrome. Last evaluated: 2025-12-30. Review status: criteria provided, single submitter. Criteria: Myriad Autosomal Dominant, Autosomal Recessive and X-Linked Classification Criteria (2023). Collection method: clinical testing. Allele origin: unknown.
Comment: NM_000092.4(COL4A4):c.4513C>G(Q1505E) is a missense variant classified as a variant of uncertain significance in the context of Alport syndrome, COL4A4-related. Q1505E has not been observed in cases with relevant disease. Relevant functional assessments of this variant are not available in the literature. Q1505E has been observed in referenced population frequency databases. In summary, there is insufficient evidence to classify NM_000092.4(COL4A4):c.4513C>G(Q1505E) as pathogenic or benign. Please note: this variant was assessed in the context of healthy population screening.

Labcorp Genetics (formerly Invitae), Labcorp
Classification: Uncertain significance. Last evaluated: 2024-11-27. Review status: criteria provided, single submitter. Criteria: Invitae Variant Classification Sherloc (09022015). Collection method: clinical testing. Allele origin: germline.
Comment: This sequence change replaces glutamine, which is neutral and polar, with glutamic acid, which is acidic and polar, at codon 1505 of the COL4A4 protein (p.Gln1505Glu). This variant is present in population databases (rs756535060, gnomAD 0.006%). This variant has not been reported in the literature in individuals affected with COL4A4-related conditions. ClinVar contains an entry for this variant (Variation ID: 830008). Invitae Evidence Modeling of protein sequence and biophysical properties (such as structural, functional, and spatial information, amino acid conservation, physicochemical variation, residue mobility, and thermodynamic stability) has been performed for this missense variant. However, the output from this modeling did not meet the statistical confidence thresholds required to predict the impact of this variant on COL4A4 protein function. In summary, the available evidence is currently insufficient to determine the role of this variant in disease. Therefore, it has been classified as a Variant of Uncertain Significance.

Fulgent Genetics
Classification: Uncertain significance for Hematuria, benign familial, 1; Autosomal recessive Alport syndrome. Last evaluated: 2024-04-19. Review status: criteria provided, single submitter. Criteria: ACMG Guidelines, 2015. Collection method: clinical testing. Allele origin: germline.

Bioscientia Institut fuer Medizinische Diagnostik GmbH, Sonic Healthcare
Classification: Uncertain significance for Autosomal dominant Alport syndrome. Last evaluated: 2019-09-26. Review status: no assertion criteria provided. Collection method: clinical testing. Allele origin: germline. Affected: yes. Not counted in ClinVar's aggregate classification.